The following is an entry in ClinVar:

NM_000535.7(PMS2):c.250+5G>C

Gene: PMS2 (PMS1 homolog 2, mismatch repair system component; minus strand). Cytogenetic location: 7p22.1.
Variant type: single nucleotide variant.
Coding change: c.250+5G>C on transcript NM_000535.7 (MANE Select); 5 bases into the intron after coding-DNA position 250, G replaced by C.
Molecular consequence: intron variant.
Genome position (GRCh38, 1-based): chr7:6,003,967, C>G on the plus strand (G>C on the coding strand, the complement: PMS2 is on the minus strand). VCF-style: chr7-6003967-C-G. GRCh37 (hg19) VCF-style: chr7-6043598-C-G.
Other names: c.35+5G>C (NM_001322008.2, NM_001322007.2); c.-156+5G>C (NM_001322010.2, NM_001322004.2, NM_001322013.2 and 3 more transcripts); c.-635+5G>C (NM_001322012.2, NM_001322011.2); c.-235+5G>C (NM_001322015.2); c.250+5G>C (NM_001322006.2, NM_001322014.2, NM_000535.6).
Identifiers: ClinVar variation 484294 (VCV000484294.10), dbSNP rs1458809226, ClinGen allele CA658657654.

ClinVar aggregate classification (germline): Uncertain significance. Review status: criteria provided, multiple submitters, no conflicts (2 of 4 stars). 4 submissions from 4 submitters: Uncertain significance (4). Last evaluated 2024-03-11.

Conditions:
Hereditary nonpolyposis colorectal neoplasms. Identifiers: MedGen C0009405, MeSH D003123.
Hereditary cancer-predisposing syndrome. Also called: Neoplastic Syndromes, Hereditary; Tumor predisposition; Hereditary Cancer Syndrome; Hereditary neoplastic syndrome. Identifiers: Orphanet 140162, MedGen C0027672, MeSH D009386, MONDO:0015356.

Submissions (4):

Color Diagnostics, LLC DBA Color Health
Classification: Uncertain significance for Hereditary cancer-predisposing syndrome. Last evaluated: 2024-03-11. Review status: criteria provided, single submitter. Criteria: ACMG Guidelines, 2015. Collection method: clinical testing. Allele origin: germline.
Comment: This variant causes a G to C nucleotide substitution at the +5 position of intron 3 of the PMS2 gene. To our knowledge, functional studies have not been reported for this variant. This variant has not been reported in individuals affected with PMS2-related disorders in the literature. This variant has not been identified in the general population by the Genome Aggregation Database (gnomAD). The available evidence is insufficient to determine the role of this variant in disease conclusively. Therefore, this variant is classified as a Variant of Uncertain Significance.

Women's Health and Genetics/Laboratory Corporation of America, LabCorp
Classification: Uncertain significance. Last evaluated: 2023-04-29. Review status: criteria provided, single submitter. Criteria: LabCorp Variant Classification Summary - May 2015. Collection method: clinical testing. Allele origin: germline.

Labcorp Genetics (formerly Invitae), Labcorp
Classification: Uncertain significance for Hereditary nonpolyposis colorectal neoplasms. Last evaluated: 2023-03-29. Review status: criteria provided, single submitter. Criteria: Invitae Variant Classification Sherloc (09022015). Collection method: clinical testing. Allele origin: germline.
Comment: This variant has not been reported in the literature in individuals affected with PMS2-related conditions. This variant is not present in population databases (gnomAD no frequency). This sequence change falls in intron 3 of the PMS2 gene. It does not directly change the encoded amino acid sequence of the PMS2 protein. It affects a nucleotide within the consensus splice site. ClinVar contains an entry for this variant (Variation ID: 484294). In summary, the available evidence is currently insufficient to determine the role of this variant in disease. Therefore, it has been classified as a Variant of Uncertain Significance. Variants that disrupt the consensus splice site are a relatively common cause of aberrant splicing (PMID: 17576681, 9536098). Algorithms developed to predict the effect of sequence changes on RNA splicing suggest that this variant is not likely to affect RNA splicing.

Ambry Genetics
Classification: Uncertain significance for Hereditary cancer-predisposing syndrome. Last evaluated: 2022-10-11. Review status: criteria provided, single submitter. Criteria: Ambry Variant Classification Scheme 2023. Collection method: clinical testing. Allele origin: germline.
Comment: The c.250+5G>C intronic variant results from a G to C substitution 5 nucleotides after coding exon 3 in the PMS2 gene. This nucleotide position is highly conserved in available vertebrate species. In silico splice site analysis predicts that this alteration will not have any significant effect on splicing; however, direct evidence is insufficient at this time (Ambry internal data). Since supporting evidence is limited at this time, the clinical significance of this alteration remains unclear.

Literature cited by the submitters: PubMed 17576681 (cited by Labcorp Genetics (formerly Invitae), Labcorp); PubMed 9536098 (cited by Labcorp Genetics (formerly Invitae), Labcorp).